The following is an entry in ClinVar:

ClinVar aggregate classification (germline): Likely pathogenic (1 of 4 stars; one submission).

Conditions:
PEX1-related disorder. Also called: PEX1-related condition.

Submission:

PreventionGenetics, part of Exact Sciences
Classification: Likely pathogenic for PEX1-related condition. Last evaluated: 2026-09-02. Review status: criteria provided, single submitter. Criteria: ACMG Guidelines, 2015. Collection method: clinical testing. Allele origin: germline.
Comment: The PEX1 c.781C>T variant is predicted to result in premature protein termination (p.Gln261*). This variant has been reported in an individual with Zellweger syndrome, though a second pathogenic variant was not identified (reported as Q261Ter, Tamura et al. 2001. PubMed ID: 11439091). This variant has not been reported in a large population database (gnomAD), indicating this variant is rare. Nonsense variants in PEX1 are expected to be pathogenic. This variant is interpreted as likely pathogenic.

NM_000466.3(PEX1):c.781C>T (p.Gln261Ter)

Gene: PEX1 (peroxisomal biogenesis factor 1; minus strand). Cytogenetic location: 7q21.2.
Variant type: single nucleotide variant.
Coding change: c.781C>T on transcript NM_000466.3 (MANE Select); coding-DNA position 781, C replaced by T.
Protein change: p.Gln261Ter; replaces glutamine 261 with a stop codon.
Molecular consequence: nonsense.
Genome position (GRCh38, 1-based): chr7:92,517,734, G>A on the plus strand (C>T on the coding strand, the complement: PEX1 is on the minus strand). VCF-style: chr7-92517734-G-A. GRCh37 (hg19) VCF-style: chr7-92147048-G-A.
Other names: c.781C>T, p.Gln261Ter (NM_001282677.2); c.157C>T, p.Gln53Ter (NM_001282678.2); short protein forms Q261*, Q53*.
Identifiers: ClinVar variation 4993148 (VCV004993148.1).